The following is an entry in ClinVar:

ClinVar aggregate classification (germline): Uncertain significance (1 of 4 stars; one submission).

Conditions:
Cardiovascular phenotype. Identifiers: MedGen CN230736.

gnomAD v4.1: 10 of 1,613,174 alleles (0.00062%); highest among the groups gnomAD compares: Non-Finnish European, 0.00085%; no homozygotes.

Submission:

Ambry Genetics
Classification: Uncertain significance for Cardiovascular phenotype. Last evaluated: 2015-06-29. Review status: criteria provided, single submitter. Criteria: Ambry Variant Classification Scheme 2023. Collection method: clinical testing. Allele origin: germline.
Comment: The p.S19133T variant (also known as c.57398G>C), located in coding exon 153 of the TTN gene, results from a G to C substitution at nucleotide position 57398. The serine at codon 19133 is replaced by threonine, an amino acid with similar properties. This variant was not reported in population based cohorts in the following databases: Database of Single Nucleotide Polymorphisms (dbSNP), NHLBI Exome Sequencing Project (ESP), and 1000 Genomes Project. In the ESP, this variant was not observed in 5998 samples (11996 alleles) with coverage at this position. This amino acid position is highly conserved in available vertebrate species. In addition, this alteration is predicted to be tolerated by in silico analysis. Since supporting evidence for this variant is limited at this time, its clinical significance is unclear.

NM_001267550.2(TTN):c.84593G>C (p.Ser28198Thr)

Genes: TTN (titin; minus strand), TTN-AS1 (TTN antisense RNA 1; plus strand). Cytogenetic location: 2q31.2.
Variant type: single nucleotide variant.
Coding change: c.84593G>C on transcript NM_001267550.2 (MANE Select); coding-DNA position 84593, G replaced by C.
Protein change: p.Ser28198Thr; replaces serine 28198 with threonine.
Molecular consequence: missense variant.
Genome position (GRCh38, 1-based): chr2:178,561,539, C>G on the plus strand (G>C on the coding strand, the complement: TTN is on the minus strand). VCF-style: chr2-178561539-C-G. GRCh37 (hg19) VCF-style: chr2-179426266-C-G.
Other names: c.79670G>C, p.Ser26557Thr (NM_001256850.1); c.57398G>C, p.Ser19133Thr (NM_003319.4); c.76889G>C, p.Ser25630Thr (NM_133378.4); c.57773G>C, p.Ser19258Thr (NM_133432.3); c.57974G>C, p.Ser19325Thr (NM_133437.4); short protein forms S19133T, S28198T, S26557T, S19258T, S19325T, S25630T.
Identifiers: ClinVar variation 264136 (VCV000264136.5), dbSNP rs886039057, ClinGen allele CA10587464.
Genomic context (GRCh38, chr2:178,561,539, plus strand): 5'-CCGGAGACTTTCATTTGAGTATCAGCAATGAGGATTTTATTTGCTTTTGACCAAAGAATG[C>G]TGCTTCTTTCTTTATACTCAAGATGATAGCCAATTACTCGACTTCCTCCATCATTAACTG-3'
Protein context (NP_001254479.2, residues 28188-28208): GYHLEYKERS[Ser28198Thr]ILWSKANKIL